The following is an entry in ClinVar:

NM_017636.4(TRPM4):c.3491A>G (p.His1164Arg)

Gene: TRPM4 (transient receptor potential cation channel subfamily M member 4; plus strand). Cytogenetic location: 19q13.33.
Variant type: single nucleotide variant.
Coding change: c.3491A>G on transcript NM_017636.4 (MANE Select); coding-DNA position 3491, A replaced by G.
Protein change: p.His1164Arg; replaces histidine 1164 with arginine.
Molecular consequence: missense variant.
Genome position (GRCh38, 1-based): chr19:49,211,044, A>G. VCF-style: chr19-49211044-A-G. GRCh37 (hg19) VCF-style: chr19-49714301-A-G.
Other names: c.3056A>G, p.His1019Arg (NM_001195227.2); c.3146A>G, p.His1049Arg (NM_001321281.2); c.1883A>G, p.His628Arg (NM_001321282.2); c.2969A>G, p.His990Arg (NM_001321283.2); c.2429A>G, p.His810Arg (NM_001321285.2); short protein forms H1019R, H1049R, H1164R, H628R, H810R, H990R.
Identifiers: ClinVar variation 3811053 (VCV003811053.1).

ClinVar aggregate classification (germline): Uncertain significance (1 of 4 stars; one submission).

Conditions:
Cardiovascular phenotype. Identifiers: MedGen CN230736.

Submission:

Ambry Genetics
Classification: Uncertain significance for Cardiovascular phenotype. Last evaluated: 2025-02-27. Review status: criteria provided, single submitter. Criteria: Ambry Variant Classification Scheme 2023. Collection method: clinical testing. Allele origin: germline.
Comment: The p.H1164R variant (also known as c.3491A>G), located in coding exon 23 of the TRPM4 gene, results from an A to G substitution at nucleotide position 3491. The histidine at codon 1164 is replaced by arginine, an amino acid with highly similar properties. This amino acid position is conserved. In addition, this alteration is predicted to be tolerated by in silico analysis. Based on the available evidence, the clinical significance of this variant remains unclear.